The following is an entry in ClinVar:

NM_001008388.5(CISD2):c.103+6C>A

Genes: CISD2 (CDGSH iron sulfur domain 2; plus strand), LOC129992892 (ATAC-STARR-seq lymphoblastoid silent region 15603; plus strand). Cytogenetic location: 4q24.
Variant type: single nucleotide variant.
Coding change: c.103+6C>A on transcript NM_001008388.5 (MANE Select); 6 bases into the intron after coding-DNA position 103, C replaced by A.
Molecular consequence: intron variant.
Genome position (GRCh38, 1-based): chr4:102,869,193, C>A. VCF-style: chr4-102869193-C-A. GRCh37 (hg19) VCF-style: chr4-103790350-C-A.
Identifiers: ClinVar variation 1349559 (VCV001349559.7), dbSNP rs1271190440, ClinGen allele CA784565315.

ClinVar aggregate classification (germline): Uncertain significance. Review status: criteria provided, multiple submitters, no conflicts (2 of 4 stars). 2 submissions from 2 submitters: Uncertain significance (2). Last evaluated 2022-02-05.

Conditions:
Wolfram syndrome 2 (WFS2). Identifiers: Orphanet 3463, MedGen C1858028, MONDO:0011502, OMIM 604928.

Allele frequency attached by ClinVar (database versions not stated): gnomAD 0.00001; gnomAD exomes 0.00001; TOPMed 0.00001.
gnomAD v4.1: 6 of 1,599,368 alleles (0.00038%); highest among the groups gnomAD compares: Non-Finnish European, 0.00051%; no homozygotes.

Submissions (2):

Labcorp Genetics (formerly Invitae), Labcorp
Classification: Uncertain significance. Last evaluated: 2022-02-05. Review status: criteria provided, single submitter. Criteria: Invitae Variant Classification Sherloc (09022015). Collection method: clinical testing. Allele origin: germline.
Comment: In summary, the available evidence is currently insufficient to determine the role of this variant in disease. Therefore, it has been classified as a Variant of Uncertain Significance. Variants that disrupt the consensus splice site are a relatively common cause of aberrant splicing (PMID: 17576681, 9536098). Algorithms developed to predict the effect of sequence changes on RNA splicing suggest that this variant is not likely to affect RNA splicing. This variant has not been reported in the literature in individuals affected with CISD2-related conditions. This variant is not present in population databases (gnomAD no frequency). This sequence change falls in intron 1 of the CISD2 gene. It does not directly change the encoded amino acid sequence of the CISD2 protein. It affects a nucleotide within the consensus splice site.

Fulgent Genetics
Classification: Uncertain significance for Wolfram syndrome 2. Last evaluated: 2021-12-29. Review status: criteria provided, single submitter. Criteria: ACMG Guidelines, 2015. Collection method: clinical testing. Allele origin: unknown.

Literature cited by the submitters: PubMed 17576681 (cited by Labcorp Genetics (formerly Invitae), Labcorp); PubMed 9536098 (cited by Labcorp Genetics (formerly Invitae), Labcorp).